The following is an entry in ClinVar:

ClinVar aggregate classification (germline): Uncertain significance (1 of 4 stars; one submission).

Conditions:
Hereditary spastic paraplegia 7 (SPG7). Also called: Autosomal recessive spastic paraplegia type 7; SPG7-related neurologic disorder; SPASTIC PARAPLEGIA 7, AUTOSOMAL RECESSIVE, WITH OR WITHOUT CEREBELLAR ATAXIA; Spastic paraplegia 7; Hereditary spastic paraplegia Paraplegin type. Identifiers: Orphanet 99013, MedGen C1846564, MONDO:0011803, OMIM 607259.

gnomAD v4.1: 11 of 1,485,236 alleles (0.00074%); highest among the groups gnomAD compares: Admixed American, 0.0093%; no homozygotes.

Submission:

Labcorp Genetics (formerly Invitae), Labcorp
Classification: Uncertain significance for Hereditary spastic paraplegia 7. Last evaluated: 2023-07-27. Review status: criteria provided, single submitter. Criteria: Invitae Variant Classification Sherloc (09022015). Collection method: clinical testing. Allele origin: germline.
Comment: In summary, the available evidence is currently insufficient to determine the role of this variant in disease. Therefore, it has been classified as a Variant of Uncertain Significance. Advanced modeling of protein sequence and biophysical properties (such as structural, functional, and spatial information, amino acid conservation, physicochemical variation, residue mobility, and thermodynamic stability) performed at Invitae indicates that this missense variant is not expected to disrupt SPG7 protein function. ClinVar contains an entry for this variant (Variation ID: 1463228). This variant has not been reported in the literature in individuals affected with SPG7-related conditions. This variant is present in population databases (no rsID available, gnomAD 0.01%). This sequence change replaces glutamic acid, which is acidic and polar, with valine, which is neutral and non-polar, at codon 54 of the SPG7 protein (p.Glu54Val).

NM_003119.4(SPG7):c.161A>T (p.Glu54Val)

Genes: SPG7 (SPG7 matrix AAA peptidase subunit, paraplegin; plus strand), LOC130059818 (ATAC-STARR-seq lymphoblastoid silent region 7911; plus strand). Cytogenetic location: 16q24.3.
Variant type: single nucleotide variant.
Coding change: c.161A>T on transcript NM_003119.4 (MANE Select); coding-DNA position 161, A replaced by T.
Protein change: p.Glu54Val; replaces glutamic acid 54 with valine.
Molecular consequence: missense variant.
Genome position (GRCh38, 1-based): chr16:89,508,578, A>T. VCF-style: chr16-89508578-A-T. GRCh37 (hg19) VCF-style: chr16-89574986-A-T.
Other names: c.161A>T, p.Glu54Val (NM_001363850.1, NM_199367.3); short protein forms E54V.
Identifiers: ClinVar variation 1463228 (VCV001463228.8), dbSNP rs750617337, ClinGen allele CA286519319.